The following is an entry in ClinVar:

NM_001830.4(CLCN4):c.469A>C (p.Ile157Leu)

Gene: CLCN4 (Cl-/H+ antiporter 4; plus strand). Cytogenetic location: Xp22.2.
Variant type: single nucleotide variant.
Coding change: c.469A>C on transcript NM_001830.4 (MANE Select); coding-DNA position 469, A replaced by C.
Protein change: p.Ile157Leu; replaces isoleucine 157 with leucine.
Molecular consequence: missense variant.
Genome position (GRCh38, 1-based): chrX:10,197,975, A>C. VCF-style: chrX-10197975-A-C. GRCh37 (hg19) VCF-style: chrX-10166015-A-C.
Other names: c.187A>C, p.Ile63Leu (NM_001256944.2); short protein forms I157L, I63L.
Identifiers: ClinVar variation 982984 (VCV000982984.4), dbSNP rs913431577, ClinGen allele CA326600126.

ClinVar aggregate classification (germline): Uncertain significance. Review status: criteria provided, multiple submitters, no conflicts (2 of 4 stars). 2 submissions from 2 submitters: Uncertain significance (2). Last evaluated 2026-07-31.

Conditions:
Intellectual disability, X-linked 49 (MRXSRC). Also called: MENTAL RETARDATION, X-LINKED 15; MRX49; CLCN4-Related Neurodevelopmental Disorder; CLCN4-related X-linked intellectual disability syndrome; RAYNAUD-CLAES SYNDROME. Identifiers: Orphanet 485350, Orphanet 777, MedGen C0796221, MONDO:0010250, OMIM 300114.

gnomAD v4.1: 2 of 1,209,852 alleles (0.00017%); highest among the groups gnomAD compares: African/African-American, 0.0017%; no homozygotes.

Submissions (2):

GeneDx
Classification: Uncertain significance. Last evaluated: 2026-07-31. Review status: criteria provided, single submitter. Criteria: GeneDx Variant Classification Process June 2021. Collection method: clinical testing. Allele origin: germline.
Comment: Not observed at significant frequency in large population cohorts (gnomAD); In silico analysis suggests that this missense variant does not alter protein structure/function; Has not been previously published as pathogenic or benign to our knowledge

Institute of Human Genetics, University of Leipzig Medical Center
Classification: Uncertain significance for Intellectual disability, X-linked 49. Last evaluated: 2019-01-01. Review status: criteria provided, single submitter. Criteria: ACMG Guidelines, 2015. Collection method: clinical testing. Allele origin: unknown. Affected: yes.